The following is an entry in ClinVar:

ClinVar aggregate classification (germline): Uncertain significance (1 of 4 stars; one submission).

Conditions:
Charcot-Marie-Tooth disease type 4. Also called: Charcot-Marie-Tooth disease, type IV; Charcot-Marie-Tooth, Type 4. Identifiers: Orphanet 64749, MedGen C4082197, MONDO:0018995.

Submission:

Labcorp Genetics (formerly Invitae), Labcorp
Classification: Uncertain significance for Charcot-Marie-Tooth disease type 4. Last evaluated: 2025-03-16. Review status: criteria provided, single submitter. Criteria: Invitae Variant Classification Sherloc (09022015). Collection method: clinical testing. Allele origin: germline.
Comment: This sequence change replaces lysine, which is basic and polar, with threonine, which is neutral and polar, at codon 89 of the MTMR2 protein (p.Lys89Thr). This variant is not present in population databases (gnomAD no frequency). This variant has not been reported in the literature in individuals affected with MTMR2-related conditions. An algorithm developed to predict the effect of missense changes on protein structure and function (PolyPhen-2) suggests that this variant is likely to be tolerated. In summary, the available evidence is currently insufficient to determine the role of this variant in disease. Therefore, it has been classified as a Variant of Uncertain Significance.

NM_016156.6(MTMR2):c.266A>C (p.Lys89Thr)

Gene: MTMR2 (myotubularin related protein 2; minus strand). Cytogenetic location: 11q21.
Variant type: single nucleotide variant.
Coding change: c.266A>C on transcript NM_016156.6 (MANE Select); coding-DNA position 266, A replaced by C.
Protein change: p.Lys89Thr; replaces lysine 89 with threonine.
Molecular consequence: missense variant. On other transcripts: 5 prime UTR variant (1).
Genome position (GRCh38, 1-based): chr11:95,862,363, T>G on the plus strand (A>C on the coding strand, the complement: MTMR2 is on the minus strand). VCF-style: chr11-95862363-T-G. GRCh37 (hg19) VCF-style: chr11-95595527-T-G.
Other names: c.50A>C, p.Lys17Thr (NM_001243571.2, NM_001440630.1, NM_001440631.1 and 12 more transcripts); c.-83A>C (NM_001440642.1); c.266A>C, p.Lys89Thr (NM_001440647.1, NM_001440648.1, NM_001440649.1 and 2 more transcripts); short protein forms K17T, K89T.
Identifiers: ClinVar variation 4805179 (VCV004805179.1).